The following is an entry in ClinVar:

ClinVar aggregate classification (germline): Uncertain significance. Review status: criteria provided, multiple submitters, no conflicts (2 of 4 stars). 3 submissions from 3 submitters: Uncertain significance (3). Last evaluated 2025-07-09.

Conditions:
Spermatogenic failure 18. Identifiers: MedGen C4539783, MONDO:0054615, OMIM 617576.
Ciliary dyskinesia, primary, 37 (CILD37). Also called: CILIARY DYSKINESIA, PRIMARY, 37, WITH OR WITHOUT SITUS INVERSUS. Identifiers: MedGen C4539798, MONDO:0033204, OMIM 617577.

Allele frequency attached by ClinVar (database versions not stated): TOPMed 0.00002; gnomAD 0.00004 and 0.00005; gnomAD exomes 0.00004 and 0.00006; ExAC 0.00005.
gnomAD v4.1: 95 of 1,611,162 alleles (0.0059%); highest among the groups gnomAD compares: South Asian, 0.017%; no homozygotes.

Submissions (3):

Labcorp Genetics (formerly Invitae), Labcorp
Classification: Uncertain significance for Ciliary dyskinesia, primary, 37; Spermatogenic failure 18. Last evaluated: 2025-07-09. Review status: criteria provided, single submitter. Criteria: Invitae Variant Classification Sherloc (09022015). Collection method: clinical testing. Allele origin: germline.
Comment: This sequence change replaces valine, which is neutral and non-polar, with isoleucine, which is neutral and non-polar, at codon 1603 of the DNAH1 protein (p.Val1603Ile). This variant is present in population databases (rs773102484, gnomAD 0.02%). This variant has not been reported in the literature in individuals affected with DNAH1-related conditions. ClinVar contains an entry for this variant (Variation ID: 1389462). Invitae Evidence Modeling of protein sequence and biophysical properties (such as structural, functional, and spatial information, amino acid conservation, physicochemical variation, residue mobility, and thermodynamic stability) indicates that this missense variant is expected to disrupt DNAH1 protein function with a positive predictive value of 80%. In summary, the available evidence is currently insufficient to determine the role of this variant in disease. Therefore, it has been classified as a Variant of Uncertain Significance.

Blueprint Genetics
Classification: Uncertain significance. Last evaluated: 2024-03-20. Review status: criteria provided, single submitter. Criteria: ACMG Guidelines, 2015. Collection method: clinical testing. Allele origin: germline.

Ambry Genetics
Classification: Uncertain significance. Last evaluated: 2021-11-30. Review status: criteria provided, single submitter. Criteria: Ambry Variant Classification Scheme 2023. Collection method: clinical testing. Allele origin: germline.

NM_015512.5(DNAH1):c.4807G>A (p.Val1603Ile)

Gene: DNAH1 (dynein axonemal heavy chain 1; plus strand). Cytogenetic location: 3p21.1.
Variant type: single nucleotide variant.
Coding change: c.4807G>A on transcript NM_015512.5 (MANE Select); coding-DNA position 4807, G replaced by A.
Protein change: p.Val1603Ile; replaces valine 1603 with isoleucine.
Molecular consequence: missense variant.
Genome position (GRCh38, 1-based): chr3:52,361,285, G>A. VCF-style: chr3-52361285-G-A. GRCh37 (hg19) VCF-style: chr3-52395301-G-A.
Other names: c.4807G>A (NM_015512.4); short protein forms V1603I.
Identifiers: ClinVar variation 1389462 (VCV001389462.6), dbSNP rs773102484, ClinGen allele CA2434005.